The following is an entry in ClinVar:

NM_000255.4(MMUT):c.1837C>T (p.Arg613Cys)

Gene: MMUT (methylmalonyl-CoA mutase; minus strand). Cytogenetic location: 6p12.3.
Variant type: single nucleotide variant.
Coding change: c.1837C>T on transcript NM_000255.4 (MANE Select); coding-DNA position 1837, C replaced by T.
Protein change: p.Arg613Cys; replaces arginine 613 with cysteine.
Molecular consequence: missense variant.
Genome position (GRCh38, 1-based): chr6:49,440,325, G>A on the plus strand (C>T on the coding strand, the complement: MMUT is on the minus strand). VCF-style: chr6-49440325-G-A. GRCh37 (hg19) VCF-style: chr6-49408038-G-A.
Other names: short protein forms R613C.
Identifiers: ClinVar variation 4744077 (VCV004744077.2).

ClinVar aggregate classification (germline): Conflicting classifications of pathogenicity. Review status: criteria provided, conflicting classifications (1 of 4 stars). 2 submissions from 2 submitters: Likely pathogenic (1); Uncertain significance (1). Last evaluated 2026-04-07.

Conditions:
Methylmalonic aciduria due to methylmalonyl-CoA mutase deficiency (MAMM). Also called: Methylmalonic aciduria, mut type. Identifiers: Orphanet 27, MedGen C1855114, MONDO:0009612, OMIM 251000.

Submissions (2):

Myriad Genetics, Inc.
Classification: Uncertain significance for Methylmalonic aciduria due to methylmalonyl-CoA mutase deficiency. Last evaluated: 2026-04-07. Review status: criteria provided, single submitter. Criteria: Myriad Autosomal Dominant, Autosomal Recessive and X-Linked Classification Criteria (2023). Collection method: clinical testing. Allele origin: unknown.
Comment: NM_000255.3(MMUT):c.1837C>T(R613C) is a missense variant classified as a variant of uncertain significance in the context of methylmalonic acidemia, MMUT-related. R613C has been observed in a case with relevant disease (PMID: Begum_2021_(Article)). Relevant functional assessments of this variant are not available in the literature. R613C has been observed in referenced population frequency databases. In summary, there is insufficient evidence to classify NM_000255.3(MMUT):c.1837C>T(R613C) as pathogenic or benign. Please note: this variant was assessed in the context of healthy population screening.

Labcorp Genetics (formerly Invitae), Labcorp
Classification: Likely pathogenic. Last evaluated: 2025-09-21. Review status: criteria provided, single submitter. Criteria: Invitae Variant Classification Sherloc (09022015). Collection method: clinical testing. Allele origin: germline.
Comment: This sequence change replaces arginine, which is basic and polar, with cysteine, which is neutral and slightly polar, at codon 613 of the MUT protein (p.Arg613Cys). This variant is present in population databases (rs573727541, gnomAD 0.1%). This missense change has been observed in individual(s) with autosomal recessive methylmalonic aciduria (internal data). In at least one individual the data is consistent with being in trans (on the opposite chromosome) from a pathogenic variant. Invitae Evidence Modeling of protein sequence and biophysical properties (such as structural, functional, and spatial information, amino acid conservation, physicochemical variation, residue mobility, and thermodynamic stability) indicates that this missense variant is expected to disrupt MUT protein function with a positive predictive value of 95%. In summary, the currently available evidence indicates that the variant is pathogenic, but additional data are needed to prove that conclusively. Therefore, this variant has been classified as Likely Pathogenic.